The following is an entry in ClinVar:

ClinVar aggregate classification (germline): Likely pathogenic (3 of 4 stars; one submission).

Conditions:
Open-angle glaucoma. Identifiers: MedGen C0017612, MONDO:0005338, HP:0012108.

Submission:

ClinGen Glaucoma Variant Curation Expert Panel
Classification: Likely pathogenic for Open-angle glaucoma. Last evaluated: 2026-01-20. Review status: reviewed by expert panel. Criteria: ClinGen Glaucoma ACMG Specifications V2.0.0 Approved. Collection method: curation. Allele origin: germline. Inheritance: Autosomal dominant inheritance.
Comment: The c.760C>A variant in MYOC is a missense variant predicted to cause substitution of Proline by Threonine at amino acid 254 (p.Pro254Thr). This variant was not found in any genetic ancestry group of gnomAD (v4.1.0), meeting the ≤ 0.0001 threshold set for PM2_Supporting in a genetic ancestry group of at least 10,000 alleles. The REVEL score = 0.933, which met the ≥ 0.932 threshold for PP3_Strong, predicting a damaging effect on MYOC function. There was no functional evidence predicting a damaging or benign impact of this variant on MYOC function. 2 probands with juvenile or primary open angle glaucoma have been reported carrying this variant (PMIDs: 32830442, 33793440), which met PS4_Supporting (≥ 2 probands). In summary, this variant met the criteria to receive a score of 6 and to be classified as likely pathogenic (likely pathogenic classification range 6 to 9, adapted from PMID: 32720330) for juvenile open angle glaucoma based on the ACMG/AMP criteria met, as specified by the ClinGen Glaucoma VCEP (v2.0.0, 5 Dec 2024): PP3_Strong, PS4_Supporting, PM2_Supporting.

NM_000261.2(MYOC):c.760C>A (p.Pro254Thr)

Gene: MYOC (myocilin; minus strand). Cytogenetic location: 1q24.3.
Variant type: single nucleotide variant.
Coding change: c.760C>A on transcript NM_000261.2 (MANE Select); coding-DNA position 760, C replaced by A.
Protein change: p.Pro254Thr; replaces proline 254 with threonine.
Molecular consequence: missense variant.
Genome position (GRCh38, 1-based): chr1:171,636,680, G>T on the plus strand (C>A on the coding strand, the complement: MYOC is on the minus strand). VCF-style: chr1-171636680-G-T. GRCh37 (hg19) VCF-style: chr1-171605820-G-T.
Other names: NM_000261.2:c.760C>A; short protein forms P254T.
Identifiers: ClinVar variation 2429764 (VCV002429764.2), dbSNP rs2527840110, ClinGen allele CA343726248.